The following is an entry in ClinVar:

ClinVar aggregate classification (germline): Uncertain significance. Review status: criteria provided, multiple submitters, no conflicts (2 of 4 stars). 2 submissions from 2 submitters: Uncertain significance (2). Last evaluated 2024-10-02.

Allele frequency attached by ClinVar (database versions not stated): gnomAD exomes below 0.00001; gnomAD 0.00001.
gnomAD v4.1: 12 of 1,613,666 alleles (0.00074%); highest among the groups gnomAD compares: Middle Eastern, 0.016%; no homozygotes.

Submissions (2):

Blueprint Genetics
Classification: Uncertain significance. Last evaluated: 2024-10-02. Review status: criteria provided, single submitter. Criteria: ACMG Guidelines, 2015. Collection method: clinical testing. Allele origin: germline.

Labcorp Genetics (formerly Invitae), Labcorp
Classification: Uncertain significance. Last evaluated: 2021-01-06. Review status: criteria provided, single submitter. Criteria: Invitae Variant Classification Sherloc (09022015). Collection method: clinical testing. Allele origin: germline.
Comment: This sequence change replaces arginine with histidine at codon 267 of the RELA protein (p.Arg267His). The arginine residue is moderately conserved and there is a small physicochemical difference between arginine and histidine. In summary, the available evidence is currently insufficient to determine the role of this variant in disease. Therefore, it has been classified as a Variant of Uncertain Significance. Algorithms developed to predict the effect of missense changes on protein structure and function are either unavailable or do not agree on the potential impact of this missense change (SIFT: "Deleterious"; PolyPhen-2: "Possibly Damaging"; Align-GVGD: "Class C0"). This variant has not been reported in the literature in individuals with RELA-related conditions. This variant is not present in population databases (ExAC no frequency).

NM_021975.4(RELA):c.800G>A (p.Arg267His)

Gene: RELA (RELA proto-oncogene, NF-kB subunit; minus strand). Cytogenetic location: 11q13.1.
Variant type: single nucleotide variant.
Coding change: c.800G>A on transcript NM_021975.4 (MANE Select); coding-DNA position 800, G replaced by A.
Protein change: p.Arg267His; replaces arginine 267 with histidine.
Molecular consequence: missense variant.
Genome position (GRCh38, 1-based): chr11:65,658,364, C>T on the plus strand (G>A on the coding strand, the complement: RELA is on the minus strand). VCF-style: chr11-65658364-C-T. GRCh37 (hg19) VCF-style: chr11-65425835-C-T.
Other names: c.791G>A, p.Arg264His (NM_001145138.2); c.800G>A, p.Arg267His (NM_001243984.2, NM_001243985.2); short protein forms R264H, R267H.
Identifiers: ClinVar variation 1434739 (VCV001434739.9), dbSNP rs1165809846, ClinGen allele CA381390827.